The following is an entry in ClinVar:

NM_000400.4(ERCC2):c.1682T>C (p.Ile561Thr)

Gene: ERCC2 (ERCC excision repair 2, TFIIH core complex helicase subunit; minus strand). Cytogenetic location: 19q13.32.
Variant type: single nucleotide variant.
Coding change: c.1682T>C on transcript NM_000400.4 (MANE Select); coding-DNA position 1682, T replaced by C.
Protein change: p.Ile561Thr; replaces isoleucine 561 with threonine.
Molecular consequence: missense variant.
Genome position (GRCh38, 1-based): chr19:45,353,318, A>G on the plus strand (T>C on the coding strand, the complement: ERCC2 is on the minus strand). VCF-style: chr19-45353318-A-G. GRCh37 (hg19) VCF-style: chr19-45856576-A-G.
Other names: short protein forms I561T.
Identifiers: ClinVar variation 1777943 (VCV001777943.3), dbSNP rs2514002890, ClinGen allele CA406364513.

ClinVar aggregate classification (germline): Uncertain significance (1 of 4 stars; one submission).

Conditions:
Inborn genetic diseases. Identifiers: MedGen C0950123, MeSH D030342.

Submission:

Ambry Genetics
Classification: Uncertain significance for Inborn genetic diseases. Last evaluated: 2024-04-26. Review status: criteria provided, single submitter. Criteria: Ambry Variant Classification Scheme 2023. Collection method: clinical testing. Allele origin: germline.
Comment: The p.I561T variant (also known as c.1682T>C), located in coding exon 18 of the ERCC2 gene, results from a T to C substitution at nucleotide position 1682. The isoleucine at codon 561 is replaced by threonine, an amino acid with similar properties. This amino acid position is conserved. In addition, this alteration is predicted to be deleterious by in silico analysis. Since supporting evidence is limited at this time, the clinical significance of this alteration remains unclear.